The following is an entry in ClinVar:

NM_004795.4(KL):c.364G>A (p.Gly122Arg)

Gene: KL (klotho; plus strand). Cytogenetic location: 13q13.1.
Variant type: single nucleotide variant.
Coding change: c.364G>A on transcript NM_004795.4 (MANE Select); coding-DNA position 364, G replaced by A.
Protein change: p.Gly122Arg; replaces glycine 122 with arginine.
Molecular consequence: missense variant.
Genome position (GRCh38, 1-based): chr13:33,016,804, G>A. VCF-style: chr13-33016804-G-A. GRCh37 (hg19) VCF-style: chr13-33590942-G-A.
Other names: short protein forms G122R.
Identifiers: ClinVar variation 4760053 (VCV004760053.1).
Genomic context (GRCh38, chr13:33,016,804, plus strand): 5'-GGAGACTCCCGGAACGCCAGTCTGCCGTTGGGCGCCCCGTCGCCGCTGCAGCCCGCCACC[G>A]GGGACGTAGCCAGCGACAGCTACAACAACGTCTTCCGCGACACGGAGGCGCTGCGCGAGC-3'
Protein context (NP_004786.2, residues 112-132): GAPSPLQPAT[Gly122Arg]DVASDSYNNV

ClinVar aggregate classification (germline): Uncertain significance (1 of 4 stars; one submission).

gnomAD v4.1: 5 of 1,612,362 alleles (0.00031%); highest among the groups gnomAD compares: Admixed American, 0.0017%; no homozygotes.

Submission:

Labcorp Genetics (formerly Invitae), Labcorp
Classification: Uncertain significance. Last evaluated: 2025-03-10. Review status: criteria provided, single submitter. Criteria: Invitae Variant Classification Sherloc (09022015). Collection method: clinical testing. Allele origin: germline.
Comment: This sequence change replaces glycine, which is neutral and non-polar, with arginine, which is basic and polar, at codon 122 of the KL protein (p.Gly122Arg). This variant is not present in population databases (gnomAD no frequency). This variant has not been reported in the literature in individuals affected with KL-related conditions. Invitae Evidence Modeling of protein sequence and biophysical properties (such as structural, functional, and spatial information, amino acid conservation, physicochemical variation, residue mobility, and thermodynamic stability) indicates that this missense variant is expected to disrupt KL protein function with a positive predictive value of 80%. In summary, the available evidence is currently insufficient to determine the role of this variant in disease. Therefore, it has been classified as a Variant of Uncertain Significance.